The following is an entry in ClinVar:

ClinVar aggregate classification (germline): Uncertain significance (1 of 4 stars; one submission).

Submission:

Mayo Clinic Laboratories, Mayo Clinic
Classification: Uncertain significance. Last evaluated: 2025-04-01. Review status: criteria provided, single submitter. Criteria: ACMG Guidelines, 2015. Collection method: clinical testing. Allele origin: germline. Observed: 1 variant allele.
Comment: BP4_moderate, PM2_supporting

NM_018965.4(TREM2):c.115G>C (p.Asp39His)

Gene: TREM2 (triggering receptor expressed on myeloid cells 2; minus strand). Cytogenetic location: 6p21.1.
Variant type: single nucleotide variant.
Coding change: c.115G>C on transcript NM_018965.4 (MANE Select); coding-DNA position 115, G replaced by C.
Protein change: p.Asp39His; replaces aspartic acid 39 with histidine.
Molecular consequence: missense variant.
Genome position (GRCh38, 1-based): chr6:41,161,539, C>G on the plus strand (G>C on the coding strand, the complement: TREM2 is on the minus strand). VCF-style: chr6-41161539-C-G. GRCh37 (hg19) VCF-style: chr6-41129277-C-G.
Other names: p.Asp39His; c.115G>C, p.Asp39His (NM_001271821.2); short protein forms D39H.
Identifiers: ClinVar variation 4541161 (VCV004541161.1).